The following is an entry in ClinVar:

ClinVar aggregate classification (germline): Conflicting classifications of pathogenicity. Review status: criteria provided, conflicting classifications (1 of 4 stars). 3 submissions from 3 submitters: Uncertain significance (1); Benign (1); Likely benign (1). Last evaluated 2025-12-01.

Conditions:
Hypogonadotropic hypogonadism 24 without anosmia (HH24). Also called: Follicle-stimulating hormone deficiency, isolated; HYPOGONADOTROPIC HYPOGONADISM 24 WITH OR WITHOUT ANOSMIA. Identifiers: Orphanet 52901, MedGen C5574957, MONDO:0009239, OMIM 229070.

Allele frequency attached by ClinVar (database versions not stated): TOPMed 0.00029; ESP Exome Variant Server 0.00038; 1000 Genomes Project 30x 0.00094; 1000 Genomes Project 0.00120; gnomAD 0.00358 and 0.00371; ExAC 0.00359; gnomAD exomes 0.00416.
gnomAD v4.1: 3,167 of 1,614,070 alleles (0.2%); highest among the groups gnomAD compares: East Asian, 0.14%; 57 homozygotes.

Submissions (3):

CeGaT Center for Human Genetics Tuebingen
Classification: Likely benign. Last evaluated: 2025-12-01. Review status: criteria provided, single submitter. Criteria: CeGaT Center For Human Genetics Tuebingen Variant Classification Criteria Version 2. Collection method: clinical testing. Allele origin: germline. Affected: yes. Observed: 1 variant allele.
Comment: FSHB: BP4, BP7

Labcorp Genetics (formerly Invitae), Labcorp
Classification: Benign. Last evaluated: 2025-10-28. Review status: criteria provided, single submitter. Criteria: Invitae Variant Classification Sherloc (09022015). Collection method: clinical testing. Allele origin: germline.

Illumina Laboratory Services, Illumina
Classification: Uncertain significance for Hypogonadotropic hypogonadism 24 without anosmia. Last evaluated: 2018-01-13. Review status: criteria provided, single submitter. Criteria: ICSL Variant Classification Criteria 13 December 2019. Collection method: clinical testing. Allele origin: germline.

NM_001382289.1(FSHB):c.312G>A (p.Lys104=)

Genes: ARL14EP-DT (ARL14EP divergent transcript; minus strand), FSHB (follicle stimulating hormone subunit beta; plus strand). Cytogenetic location: 11p14.1.
Variant type: single nucleotide variant.
Coding change: c.312G>A on transcript NM_001382289.1 (MANE Select); coding-DNA position 312, G replaced by A.
Protein change: p.Lys104=; no amino-acid change (lysine 104 retained).
Molecular consequence: synonymous variant.
Genome position (GRCh38, 1-based): chr11:30,233,722, G>A. VCF-style: chr11-30233722-G-A. GRCh37 (hg19) VCF-style: chr11-30255269-G-A.
Other names: c.312G>A, p.Lys104= (NM_000510.4, NM_001018080.3).
Identifiers: ClinVar variation 880521 (VCV000880521.16), dbSNP rs34365964, ClinGen allele CA5930797.